The following is an entry in ClinVar:

ClinVar aggregate classification (germline): Uncertain significance. Review status: criteria provided, multiple submitters, no conflicts (2 of 4 stars). 4 submissions from 4 submitters: Uncertain significance (4). Last evaluated 2025-06-06.

Conditions:
Myoglobinuria, acute recurrent, autosomal recessive. Also called: Myoglobinuria, recurrent, autosomal recessive; MYOGLOBINURIA, FAMILIAL PAROXYSMAL PARALYTIC; RHABDOMYOLYSIS, ACUTE RECURRENT. Identifiers: Orphanet 99845, MedGen C1849386, MONDO:0009992, OMIM 268200.
Inborn genetic diseases. Identifiers: MedGen C0950123, MeSH D030342.

Allele frequency attached by ClinVar (database versions not stated): TOPMed 0.00002; gnomAD 0.00003.
gnomAD v4.1: 47 of 1,611,374 alleles (0.0029%); highest among the groups gnomAD compares: Non-Finnish European, 0.0039%; no homozygotes.

Submissions (4):

Ambry Genetics
Classification: Uncertain significance for Inborn genetic diseases. Last evaluated: 2025-06-06. Review status: criteria provided, single submitter. Criteria: Ambry Variant Classification Scheme 2023. Collection method: clinical testing. Allele origin: germline.

Blueprint Genetics
Classification: Uncertain significance. Last evaluated: 2024-08-06. Review status: criteria provided, single submitter. Criteria: ACMG Guidelines, 2015. Collection method: clinical testing. Allele origin: germline.

Fulgent Genetics
Classification: Uncertain significance for Myoglobinuria, acute recurrent, autosomal recessive. Last evaluated: 2024-06-20. Review status: criteria provided, single submitter. Criteria: ACMG Guidelines, 2015. Collection method: clinical testing. Allele origin: germline.

Labcorp Genetics (formerly Invitae), Labcorp
Classification: Uncertain significance. Last evaluated: 2022-02-18. Review status: criteria provided, single submitter. Criteria: Invitae Variant Classification Sherloc (09022015). Collection method: clinical testing. Allele origin: germline.
Comment: This sequence change replaces valine, which is neutral and non-polar, with leucine, which is neutral and non-polar, at codon 89 of the LPIN1 protein (p.Val89Leu). This variant is present in population databases (no rsID available, gnomAD 0.002%). This variant has not been reported in the literature in individuals affected with LPIN1-related conditions. Algorithms developed to predict the effect of missense changes on protein structure and function are either unavailable or do not agree on the potential impact of this missense change (SIFT: "Deleterious"; PolyPhen-2: "Probably Damaging"; Align-GVGD: "Class C0"). In summary, the available evidence is currently insufficient to determine the role of this variant in disease. Therefore, it has been classified as a Variant of Uncertain Significance.

NM_001349206.2(LPIN1):c.265G>C (p.Val89Leu)

Gene: LPIN1 (lipin 1; plus strand). Cytogenetic location: 2p25.1.
Variant type: single nucleotide variant.
Coding change: c.265G>C on transcript NM_001349206.2 (MANE Select); coding-DNA position 265, G replaced by C.
Protein change: p.Val89Leu; replaces valine 89 with leucine.
Molecular consequence: missense variant. On other transcripts: non-coding transcript variant (1).
Genome position (GRCh38, 1-based): chr2:11,767,835, G>C. VCF-style: chr2-11767835-G-C. GRCh37 (hg19) VCF-style: chr2-11907961-G-C.
Other names: c.283G>C, p.Val95Leu (NM_001261427.3); c.412G>C, p.Val138Leu (NM_001261428.3, NM_001349208.2); c.265G>C, p.Val89Leu (NM_001349199.2, NM_001349200.2, NM_001349201.2 and 5 more transcripts); c.355G>C, p.Val119Leu (NM_001349207.2); c.265G>C (NM_145693.1); short protein forms V95L, V138L, V119L, V89L.
Identifiers: ClinVar variation 1948237 (VCV001948237.5), dbSNP rs1039422414, ClinGen allele CA42592959.